The following is an entry in ClinVar:

NM_000179.3(MSH6):c.779G>A (p.Gly260Asp)

Gene: MSH6 (mutS homolog 6; plus strand). Cytogenetic location: 2p16.3.
Variant type: single nucleotide variant.
Coding change: c.779G>A on transcript NM_000179.3 (MANE Select); coding-DNA position 779, G replaced by A.
Protein change: p.Gly260Asp; replaces glycine 260 with aspartic acid.
Molecular consequence: missense variant. On other transcripts: 5 prime UTR variant (9), non-coding transcript variant (4), intron variant (1).
Genome position (GRCh38, 1-based): chr2:47,798,762, G>A. VCF-style: chr2-47798762-G-A. GRCh37 (hg19) VCF-style: chr2-48025901-G-A.
Other names: c.389G>A, p.Gly130Asp (NM_001281492.2); c.-128G>A (NM_001281493.2, NM_001281494.2, NM_001406811.1 and 6 more transcripts); c.875G>A, p.Gly292Asp (NM_001406795.1, NM_001406802.1); c.779G>A, p.Gly260Asp (NM_001406796.1, NM_001406798.1, NM_001406800.1 and 4 more transcripts); c.482G>A, p.Gly161Asp (NM_001406797.1, NM_001406801.1, NM_001406805.1 and 10 more transcripts); c.254G>A, p.Gly85Asp (NM_001406799.1, NM_001406806.1, NM_001406807.1); c.701G>A, p.Gly234Asp (NM_001406804.1); c.785G>A, p.Gly262Asp (NM_001406813.1); and 2 more; short protein forms G204D, G292D, G130D, G161D, G260D, G234D, G262D, G85D.
Identifiers: ClinVar variation 2827759 (VCV002827759.3), dbSNP rs2104297173, ClinGen allele CA346740242.

ClinVar aggregate classification (germline): Uncertain significance (1 of 4 stars; one submission).

Conditions:
Hereditary nonpolyposis colorectal neoplasms. Identifiers: MedGen C0009405, MeSH D003123.

Submission:

Labcorp Genetics (formerly Invitae), Labcorp
Classification: Uncertain significance for Hereditary nonpolyposis colorectal neoplasms. Last evaluated: 2023-01-11. Review status: criteria provided, single submitter. Criteria: Invitae Variant Classification Sherloc (09022015). Collection method: clinical testing. Allele origin: germline.
Comment: In summary, the available evidence is currently insufficient to determine the role of this variant in disease. Therefore, it has been classified as a Variant of Uncertain Significance. Advanced modeling of protein sequence and biophysical properties (such as structural, functional, and spatial information, amino acid conservation, physicochemical variation, residue mobility, and thermodynamic stability) performed at Invitae indicates that this missense variant is not expected to disrupt MSH6 protein function. This variant has not been reported in the literature in individuals affected with MSH6-related conditions. This variant is not present in population databases (gnomAD no frequency). This sequence change replaces glycine, which is neutral and non-polar, with aspartic acid, which is acidic and polar, at codon 260 of the MSH6 protein (p.Gly260Asp).